The following is an entry in ClinVar:

NM_006180.6(NTRK2):c.722A>G (p.Asn241Ser)

Gene: NTRK2 (neurotrophic receptor tyrosine kinase 2; plus strand). Cytogenetic location: 9q21.33.
Variant type: single nucleotide variant.
Coding change: c.722A>G on transcript NM_006180.6 (MANE Select); coding-DNA position 722, A replaced by G.
Protein change: p.Asn241Ser; replaces asparagine 241 with serine.
Molecular consequence: missense variant.
Genome position (GRCh38, 1-based): chr9:84,724,225, A>G. VCF-style: chr9-84724225-A-G. GRCh37 (hg19) VCF-style: chr9-87339140-A-G.
Other names: c.254A>G, p.Asn85Ser (NM_001369552.1, NM_001369535.1, NM_001369536.1 and 2 more transcripts); c.722A>G, p.Asn241Ser (NM_001381928.1, NM_001007097.3, NM_001018064.3 and 19 more transcripts); c.722A>G (NM_006180.4); short protein forms N241S, N85S.
Identifiers: ClinVar variation 2878508 (VCV002878508.4), dbSNP rs778290134, ClinGen allele CA5105568.
Genomic context (GRCh38, chr9:84,724,225, plus strand): 5'-CTTGTCACTTTGGGATCAATCCTAATCAAGGTTATTTTTGTCTGTTAATTCATTTGTAGA[A>G]TGAAACAAGCCACACACAGGGCTCCTTAAGGATAACTAACATTTCATCCGATGACAGTGG-3'
Protein context (NP_006171.2, residues 231-251): DVGNLVSKHM[Asn241Ser]ETSHTQGSLR

ClinVar aggregate classification (germline): Uncertain significance. Review status: criteria provided, multiple submitters, no conflicts (2 of 4 stars). 2 submissions from 2 submitters: Uncertain significance (2). Last evaluated 2025-02-18.

Conditions:
NTRK2-related disorder. Also called: NTRK2-related condition.

Allele frequency attached by ClinVar (database versions not stated): ExAC 0.00001; gnomAD 0.00001.
gnomAD v4.1: 3 of 1,614,052 alleles (0.00019%); highest among the groups gnomAD compares: East Asian, 0.0022%; no homozygotes.

Submissions (2):

PreventionGenetics, part of Exact Sciences
Classification: Uncertain significance for NTRK2-related condition. Last evaluated: 2025-02-18. Review status: criteria provided, single submitter. Criteria: ACMG Guidelines, 2015. Collection method: clinical testing. Allele origin: germline.
Comment: The NTRK2 c.722A>G variant is predicted to result in the amino acid substitution p.Asn241Ser. To our knowledge, this variant has not been reported in the literature. This variant is reported in 0.0054% of alleles in individuals of East Asian descent in gnomAD. At this time, the clinical significance of this variant is uncertain due to the absence of conclusive functional and genetic evidence.

Labcorp Genetics (formerly Invitae), Labcorp
Classification: Uncertain significance. Last evaluated: 2023-07-09. Review status: criteria provided, single submitter. Criteria: Invitae Variant Classification Sherloc (09022015). Collection method: clinical testing. Allele origin: germline.
Comment: This sequence change replaces asparagine, which is neutral and polar, with serine, which is neutral and polar, at codon 241 of the NTRK2 protein (p.Asn241Ser). In summary, the available evidence is currently insufficient to determine the role of this variant in disease. Therefore, it has been classified as a Variant of Uncertain Significance. Algorithms developed to predict the effect of missense changes on protein structure and function output the following: SIFT: "Not Available"; PolyPhen-2: "Benign"; Align-GVGD: "Not Available". The serine amino acid residue is found in multiple mammalian species, which suggests that this missense change does not adversely affect protein function. This variant has not been reported in the literature in individuals affected with NTRK2-related conditions. This variant is present in population databases (rs778290134, gnomAD 0.006%).